The following is an entry in ClinVar:

ClinVar aggregate classification (germline): Uncertain significance. Review status: criteria provided, multiple submitters, no conflicts (2 of 4 stars). 2 submissions from 2 submitters: Uncertain significance (2). Last evaluated 2024-12-20.

Conditions:
Inborn genetic diseases. Identifiers: MedGen C0950123, MeSH D030342.
X-linked distal spinal muscular atrophy type 3. Also called: SPINAL MUSCULAR ATROPHY, DISTAL, X-LINKED RECESSIVE; NEURONOPATHY, DISTAL HEREDITARY MOTOR, X-LINKED; NEUROPATHY, DISTAL HEREDITARY MOTOR, X-LINKED; ATP7A-Related Distal Motor Neuropathy. Identifiers: Orphanet 139557, MedGen C1845359, MONDO:0010338, OMIM 300489.
Menkes kinky-hair syndrome (MNK). Also called: Copper transport disease; Classic Menkes Disease; Menkes Disease. Identifiers: Orphanet 565, MedGen C0022716, MONDO:0010651, OMIM 309400.
Cutis laxa, X-linked (OHS). Also called: EDS IX; Occipital horn syndrome. Identifiers: Orphanet 198, MedGen C0268353, MONDO:0010572, OMIM 304150.

Submissions (2):

Labcorp Genetics (formerly Invitae), Labcorp
Classification: Uncertain significance for X-linked distal spinal muscular atrophy type 3; Cutis laxa, X-linked; Menkes kinky-hair syndrome. Last evaluated: 2024-12-20. Review status: criteria provided, single submitter. Criteria: Invitae Variant Classification Sherloc (09022015). Collection method: clinical testing. Allele origin: germline.
Comment: This sequence change replaces isoleucine, which is neutral and non-polar, with leucine, which is neutral and non-polar, at codon 250 of the ATP7A protein (p.Ile250Leu). This variant is not present in population databases (gnomAD no frequency). This variant has not been reported in the literature in individuals affected with ATP7A-related conditions. ClinVar contains an entry for this variant (Variation ID: 1759134). Invitae Evidence Modeling of protein sequence and biophysical properties (such as structural, functional, and spatial information, amino acid conservation, physicochemical variation, residue mobility, and thermodynamic stability) indicates that this missense variant is not expected to disrupt ATP7A protein function with a negative predictive value of 95%. In summary, the available evidence is currently insufficient to determine the role of this variant in disease. Therefore, it has been classified as a Variant of Uncertain Significance.

Ambry Genetics
Classification: Uncertain significance for Inborn genetic diseases. Last evaluated: 2019-08-27. Review status: criteria provided, single submitter. Criteria: Ambry Variant Classification Scheme 2023. Collection method: clinical testing. Allele origin: germline.
Comment: The p.I250L variant (also known as c.748A>C), located in coding exon 3 of the ATP7A gene, results from an A to C substitution at nucleotide position 748. The isoleucine at codon 250 is replaced by leucine, an amino acid with highly similar properties. This amino acid position is highly conserved through mammals but not in all available vertebrate species. In addition, the in silico prediction for this alteration is inconclusive. Since supporting evidence is limited at this time, the clinical significance of this alteration remains unclear.

NM_000052.7(ATP7A):c.748A>C (p.Ile250Leu)

Gene: ATP7A (ATPase copper transporting alpha; plus strand). Cytogenetic location: Xq21.1.
Variant type: single nucleotide variant.
Coding change: c.748A>C on transcript NM_000052.7 (MANE Select); coding-DNA position 748, A replaced by C.
Protein change: p.Ile250Leu; replaces isoleucine 250 with leucine.
Molecular consequence: missense variant.
Genome position (GRCh38, 1-based): chrX:77,989,370, A>C. VCF-style: chrX-77989370-A-C. GRCh37 (hg19) VCF-style: chrX-77244866-A-C.
Other names: c.748A>C, p.Ile250Leu (NM_001282224.2); short protein forms I250L.
Identifiers: ClinVar variation 1759134 (VCV001759134.4), dbSNP rs1189996419, ClinGen allele CA413600733.
Genomic context (GRCh38, chrX:77,989,370, plus strand): 5'-GAAGCTATGGGCTTTCCAGCATTTGTCAAAAAGCAGCCCAAGTACCTCAAATTGGGAGCT[A>C]TTGATGTAGAACGTCTAAAGAACACACCAGTTAAATCCTCAGAAGGGTCACAGCAAAGGA-3'
Protein context (NP_000043.4, residues 240-260): KQPKYLKLGA[Ile250Leu]DVERLKNTPV